The following is an entry in ClinVar:

ClinVar aggregate classification (germline): Uncertain significance (1 of 4 stars; one submission).

gnomAD v4.1: 130 of 1,602,912 alleles (0.0081%); highest among the groups gnomAD compares: Admixed American, 0.086%; 1 homozygote.

Submission:

Ambry Genetics
Classification: Uncertain significance. Last evaluated: 2019-06-24. Review status: criteria provided, single submitter. Criteria: Ambry Variant Classification Scheme 2023. Collection method: clinical testing. Allele origin: germline.
Comment: The p.V263L variant (also known as c.787G>C), located in coding exon 9 of the KATNAL2 gene, results from a G to C substitution at nucleotide position 787. The valine at codon 263 is replaced by leucine, an amino acid with highly similar properties. This amino acid position is well conserved in available vertebrate species. In addition, this alteration is predicted to be deleterious by in silico analysis. Since supporting evidence is limited at this time, the clinical significance of this alteration remains unclear.

NM_001387690.1(KATNAL2):c.1003G>C (p.Val335Leu)

Gene: KATNAL2 (katanin catalytic subunit A1 like 2; plus strand). Cytogenetic location: 18q21.1.
Variant type: single nucleotide variant.
Coding change: c.1003G>C on transcript NM_001387690.1 (MANE Select); coding-DNA position 1003, G replaced by C.
Protein change: p.Val335Leu; replaces valine 335 with leucine.
Molecular consequence: missense variant. On other transcripts: non-coding transcript variant (1).
Genome position (GRCh38, 1-based): chr18:47,069,595, G>C. VCF-style: chr18-47069595-G-C. GRCh37 (hg19) VCF-style: chr18-44595966-G-C.
Other names: c.1081G>C, p.Val361Leu (NM_001353899.1); c.1078G>C, p.Val360Leu (NM_001353900.1); c.1003G>C, p.Val335Leu (NM_001353901.1, NM_001367621.1); c.982G>C, p.Val328Leu (NM_001353902.1); c.670G>C, p.Val224Leu (NM_001353903.1, NM_001353905.1, NM_001353906.1 and 1 more transcripts); c.571G>C, p.Val191Leu (NM_001353904.1, NM_001353908.1, NM_001353909.1); c.787G>C, p.Val263Leu (NM_031303.3); short protein forms V191L, V335L, V360L, V224L, V361L, V263L, V328L.
Identifiers: ClinVar variation 1760999 (VCV001760999.2), dbSNP rs200886050, ClinGen allele CA8955159.